The following is an entry in ClinVar:

NM_000238.4(KCNH2):c.2857C>T (p.Leu953Phe)

Gene: KCNH2 (potassium voltage-gated channel subfamily H member 2; minus strand). Cytogenetic location: 7q36.1.
Variant type: single nucleotide variant.
Coding change: c.2857C>T on transcript NM_000238.4 (MANE Select); coding-DNA position 2857, C replaced by T.
Protein change: p.Leu953Phe; replaces leucine 953 with phenylalanine.
Molecular consequence: missense variant.
Genome position (GRCh38, 1-based): chr7:150,947,714, G>A on the plus strand (C>T on the coding strand, the complement: KCNH2 is on the minus strand). VCF-style: chr7-150947714-G-A. GRCh37 (hg19) VCF-style: chr7-150644802-G-A.
Other names: c.1837C>T, p.Leu613Phe (NM_172057.3); short protein forms L613F, L953F.
Identifiers: ClinVar variation 924479 (VCV000924479.9), dbSNP rs1800963184, ClinGen allele CA369853254.

ClinVar aggregate classification (germline): Uncertain significance. Review status: criteria provided, multiple submitters, no conflicts (2 of 4 stars). 2 submissions from 2 submitters: Uncertain significance (2). Last evaluated 2024-05-01.

Conditions:
Cardiac arrhythmia. Also called: Arrhythmia; Cardiac rhythm disease. Identifiers: MedGen C0003811, MONDO:0007263, HP:0011675.
Long QT syndrome (LQTS). Identifiers: MedGen C0023976, MeSH D008133, MONDO:0002442. Disease mechanism: loss of function. Inheritance: Various modes of inheritance.

Submissions (2):

Labcorp Genetics (formerly Invitae), Labcorp
Classification: Uncertain significance for Long QT syndrome. Last evaluated: 2024-05-01. Review status: criteria provided, single submitter. Criteria: Invitae Variant Classification Sherloc (09022015). Collection method: clinical testing. Allele origin: germline.
Comment: This sequence change replaces leucine, which is neutral and non-polar, with phenylalanine, which is neutral and non-polar, at codon 953 of the KCNH2 protein (p.Leu953Phe). This variant is not present in population databases (gnomAD no frequency). This variant has not been reported in the literature in individuals affected with KCNH2-related conditions. ClinVar contains an entry for this variant (Variation ID: 924479). An algorithm developed to predict the effect of missense changes on protein structure and function (PolyPhen-2) suggests that this variant is likely to be disruptive. In summary, the available evidence is currently insufficient to determine the role of this variant in disease. Therefore, it has been classified as a Variant of Uncertain Significance.

Color Diagnostics, LLC DBA Color Health
Classification: Uncertain significance for Cardiac arrhythmia. Last evaluated: 2024-03-06. Review status: criteria provided, single submitter. Criteria: ACMG Guidelines, 2015. Collection method: clinical testing. Allele origin: germline.
Comment: This missense variant replaces leucine with phenylalanine at codon 953 of the KCNH2 protein. Computational prediction is inconclusive regarding the impact of this variant on protein structure and function (internally defined REVEL score threshold 0.5 < inconclusive < 0.7, PMID: 27666373). To our knowledge, functional studies have not been reported for this variant. This variant has not been reported in individuals affected with KCNH2-related disorders in the literature. This variant has not been identified in the general population by the Genome Aggregation Database (gnomAD). The available evidence is insufficient to determine the role of this variant in disease conclusively. Therefore, this variant is classified as a Variant of Uncertain Significance.